The following is an entry in ClinVar:

ClinVar aggregate classification (germline): Uncertain significance. Review status: criteria provided, multiple submitters, no conflicts (2 of 4 stars). 2 submissions from 2 submitters: Uncertain significance (2). Last evaluated 2023-03-02.

Conditions:
Inborn genetic diseases. Identifiers: MedGen C0950123, MeSH D030342.

Allele frequency attached by ClinVar (database versions not stated): gnomAD exomes 0.00002; TOPMed 0.00002; ExAC 0.00012; 1000 Genomes Project 30x 0.00016; 1000 Genomes Project 0.00020.
gnomAD v4.1: 39 of 1,548,418 alleles (0.0025%); highest among the groups gnomAD compares: South Asian, 0.012%; no homozygotes.

Submissions (2):

Ambry Genetics
Classification: Uncertain significance for Inborn genetic diseases. Last evaluated: 2023-03-02. Review status: criteria provided, single submitter. Criteria: Ambry Variant Classification Scheme 2023. Collection method: clinical testing. Allele origin: germline.

Labcorp Genetics (formerly Invitae), Labcorp
Classification: Uncertain significance. Last evaluated: 2022-06-13. Review status: criteria provided, single submitter. Criteria: Invitae Variant Classification Sherloc (09022015). Collection method: clinical testing. Allele origin: germline.
Comment: In summary, the available evidence is currently insufficient to determine the role of this variant in disease. Therefore, it has been classified as a Variant of Uncertain Significance. Algorithms developed to predict the effect of sequence changes on RNA splicing suggest that this variant may create or strengthen a splice site. Algorithms developed to predict the effect of missense changes on protein structure and function are either unavailable or do not agree on the potential impact of this missense change (SIFT: "Deleterious"; PolyPhen-2: "Possibly Damaging"; Align-GVGD: "Class C0"). ClinVar contains an entry for this variant (Variation ID: 1041376). This variant has not been reported in the literature in individuals affected with OBSL1-related conditions. The frequency data for this variant in the population databases is considered unreliable, as metrics indicate poor data quality at this position in the gnomAD database. This sequence change replaces arginine, which is basic and polar, with tryptophan, which is neutral and slightly polar, at codon 1327 of the OBSL1 protein (p.Arg1327Trp).

NM_015311.3(OBSL1):c.3979C>T (p.Arg1327Trp)

Gene: OBSL1 (obscurin like cytoskeletal adaptor 1; minus strand). Cytogenetic location: 2q35.
Variant type: single nucleotide variant.
Coding change: c.3979C>T on transcript NM_015311.3 (MANE Select); coding-DNA position 3979, C replaced by T.
Protein change: p.Arg1327Trp; replaces arginine 1327 with tryptophan.
Molecular consequence: missense variant.
Genome position (GRCh38, 1-based): chr2:219,557,430, G>A on the plus strand (C>T on the coding strand, the complement: OBSL1 is on the minus strand). VCF-style: chr2-219557430-G-A. GRCh37 (hg19) VCF-style: chr2-220422152-G-A.
Other names: c.3979C>T (NM_015311.2); c.3979C>T, p.Arg1327Trp (NM_001173431.2); short protein forms R1327W.
Identifiers: ClinVar variation 1041376 (VCV001041376.10), dbSNP rs528102967, ClinGen allele CA2130704.